The following is an entry in ClinVar:

NM_006015.6(ARID1A):c.2286C>T (p.Tyr762=)

Gene: ARID1A (AT-rich interaction domain 1A; plus strand). Cytogenetic location: 1p36.11.
Variant type: single nucleotide variant.
Coding change: c.2286C>T on transcript NM_006015.6 (MANE Select); coding-DNA position 2286, C replaced by T.
Protein change: p.Tyr762=; no amino-acid change (tyrosine 762 retained).
Molecular consequence: synonymous variant.
Genome position (GRCh38, 1-based): chr1:26,762,186, C>T. VCF-style: chr1-26762186-C-T. GRCh37 (hg19) VCF-style: chr1-27088677-C-T.
Other names: c.2286C>T, p.Tyr762= (NM_139135.4).
Identifiers: ClinVar variation 2827355 (VCV002827355.3), dbSNP rs2124063143, ClinGen allele CA416779458.

ClinVar aggregate classification (germline): Uncertain significance (1 of 4 stars; one submission).

Submission:

Labcorp Genetics (formerly Invitae), Labcorp
Classification: Uncertain significance. Last evaluated: 2023-11-14. Review status: criteria provided, single submitter. Criteria: Invitae Variant Classification Sherloc (09022015). Collection method: clinical testing. Allele origin: germline.
Comment: This sequence change affects codon 762 of the ARID1A mRNA. It is a 'silent' change, meaning that it does not change the encoded amino acid sequence of the ARID1A protein. This variant is not present in population databases (gnomAD no frequency). This variant has not been reported in the literature in individuals affected with ARID1A-related conditions. Algorithms developed to predict the effect of sequence changes on RNA splicing suggest that this variant may disrupt the consensus splice site. In summary, the available evidence is currently insufficient to determine the role of this variant in disease. Therefore, it has been classified as a Variant of Uncertain Significance.